The following is an entry in ClinVar:

NM_005477.3(HCN4):c.2473C>T (p.His825Tyr)

Gene: HCN4 (hyperpolarization activated cyclic nucleotide gated potassium channel 4; minus strand). Cytogenetic location: 15q24.1.
Variant type: single nucleotide variant.
Coding change: c.2473C>T on transcript NM_005477.3 (MANE Select); coding-DNA position 2473, C replaced by T.
Protein change: p.His825Tyr; replaces histidine 825 with tyrosine.
Molecular consequence: missense variant.
Genome position (GRCh38, 1-based): chr15:73,323,620, G>A on the plus strand (C>T on the coding strand, the complement: HCN4 is on the minus strand). VCF-style: chr15-73323620-G-A. GRCh37 (hg19) VCF-style: chr15-73615961-G-A.
Other names: short protein forms H825Y.
Identifiers: ClinVar variation 3524261 (VCV003524261.1).

ClinVar aggregate classification (germline): Uncertain significance (1 of 4 stars; one submission).

Conditions:
Cardiovascular phenotype. Identifiers: MedGen CN230736.

gnomAD v4.1: 3 of 1,600,594 alleles (0.00019%); highest among the groups gnomAD compares: Admixed American, 0.005%; no homozygotes.

Submission:

Ambry Genetics
Classification: Uncertain significance for Cardiovascular phenotype. Last evaluated: 2024-09-02. Review status: criteria provided, single submitter. Criteria: Ambry Variant Classification Scheme 2023. Collection method: clinical testing. Allele origin: germline.
Comment: The p.H825Y variant (also known as c.2473C>T), located in coding exon 8 of the HCN4 gene, results from a C to T substitution at nucleotide position 2473. The histidine at codon 825 is replaced by tyrosine, an amino acid with similar properties. This amino acid position is conserved. In addition, this alteration is predicted to be tolerated by in silico analysis. Based on the available evidence, the clinical significance of this variant remains unclear.